The following is an entry in ClinVar:

ClinVar aggregate classification (germline): Uncertain significance. Review status: criteria provided, multiple submitters, no conflicts (2 of 4 stars). 6 submissions from 6 submitters: Uncertain significance (5). 1 of the submissions does not count toward it. Last evaluated 2025-10-17.

Conditions:
PKHD1-related disorder. Also called: PKHD1-related condition.
Autosomal recessive polycystic kidney disease (ARPKD). Also called: AR polycystic kidney disease. Identifiers: Orphanet 731, Orphanet 8378, MedGen C0085548, MeSH D017044, MONDO:0009889.
Polycystic kidney disease 4 (PKD4). Also called: PKD3; POLYCYSTIC KIDNEY AND HEPATIC DISEASE 1; POLYCYSTIC KIDNEY DISEASE, INFANTILE, TYPE I; POLYCYSTIC KIDNEY DISEASE 4 WITH OR WITHOUT POLYCYSTIC LIVER DISEASE; Autosomal Recessive Polycystic Kidney Disease – PKHD1. Identifiers: MedGen C4540575, MONDO:0033004, OMIM 263200.
Inborn genetic diseases. Identifiers: MedGen C0950123, MeSH D030342.

Allele frequency attached by ClinVar (database versions not stated): gnomAD exomes below 0.00001; ExAC 0.00001; TOPMed 0.00004; gnomAD 0.00005; 1000 Genomes Project 0.00020; 1000 Genomes Project 30x 0.00031.
gnomAD v4.1: 9 of 1,613,700 alleles (0.00056%); highest among the groups gnomAD compares: African/African-American, 0.012%; no homozygotes.

Submissions (6):

Ambry Genetics
Classification: Uncertain significance for Inborn genetic diseases. Last evaluated: 2025-10-17. Review status: criteria provided, single submitter. Criteria: Ambry Variant Classification Scheme 2023. Collection method: clinical testing. Allele origin: germline.

Fulgent Genetics
Classification: Uncertain significance for Polycystic kidney disease 4. Last evaluated: 2024-03-04. Review status: criteria provided, single submitter. Criteria: ACMG Guidelines, 2015. Collection method: clinical testing. Allele origin: germline.

PreventionGenetics, part of Exact Sciences
Classification: Uncertain significance for PKHD1-related condition. Last evaluated: 2022-12-08. Review status: criteria provided, single submitter. Criteria: ACMG Guidelines, 2015. Collection method: clinical testing. Allele origin: germline.
Comment: The PKHD1 c.1772C>G variant is predicted to result in the amino acid substitution p.Pro591Arg. To our knowledge, this variant has not been reported in the literature. This variant is reported in 0.020% of alleles in individuals of African descent in gnomAD. At this time, the clinical significance of this variant is uncertain due to the absence of conclusive functional and genetic evidence.

Labcorp Genetics (formerly Invitae), Labcorp
Classification: Uncertain significance for Autosomal recessive polycystic kidney disease. Last evaluated: 2021-08-24. Review status: criteria provided, single submitter. Criteria: Invitae Variant Classification Sherloc (09022015). Collection method: clinical testing. Allele origin: germline.
Comment: This sequence change replaces proline with arginine at codon 591 of the PKHD1 protein (p.Pro591Arg). The proline residue is moderately conserved and there is a moderate physicochemical difference between proline and arginine. This variant is present in population databases (rs201824369, ExAC 0.01%). This variant has not been reported in the literature in individuals affected with PKHD1-related conditions. ClinVar contains an entry for this variant (Variation ID: 908383). Advanced modeling of protein sequence and biophysical properties (such as structural, functional, and spatial information, amino acid conservation, physicochemical variation, residue mobility, and thermodynamic stability) performed at Invitae indicates that this missense variant is expected to disrupt PKHD1 protein function. In summary, the available evidence is currently insufficient to determine the role of this variant in disease. Therefore, it has been classified as a Variant of Uncertain Significance.

Illumina Laboratory Services, Illumina
Classification: Uncertain significance for Polycystic kidney disease 4. Last evaluated: 2018-01-12. Review status: criteria provided, single submitter. Criteria: ICSL Variant Classification Criteria 13 December 2019. Collection method: clinical testing. Allele origin: germline.

Natera, Inc.
Classification: Uncertain significance for Autosomal recessive polycystic kidney disease. Last evaluated: 2018-09-04. Review status: no assertion criteria provided. Collection method: clinical testing. Allele origin: germline. Not counted in ClinVar's aggregate classification.

NM_138694.4(PKHD1):c.1772C>G (p.Pro591Arg)

Gene: PKHD1 (PKHD1 ciliary IPT domain containing fibrocystin/polyductin; minus strand). Cytogenetic location: 6p12.2.
Variant type: single nucleotide variant.
Coding change: c.1772C>G on transcript NM_138694.4 (MANE Select); coding-DNA position 1772, C replaced by G.
Protein change: p.Pro591Arg; replaces proline 591 with arginine.
Molecular consequence: missense variant.
Genome position (GRCh38, 1-based): chr6:52,055,651, G>C on the plus strand (C>G on the coding strand, the complement: PKHD1 is on the minus strand). VCF-style: chr6-52055651-G-C. GRCh37 (hg19) VCF-style: chr6-51920449-G-C.
Other names: c.1772C>G, p.Pro591Arg (NM_170724.3); short protein forms P591R.
Identifiers: ClinVar variation 908383 (VCV000908383.15), dbSNP rs201824369, ClinGen allele CA3853451.
Genomic context (GRCh38, chr6:52,055,651, plus strand): 5'-GTATACTGATCTAGCCGATAGCCCTTCTGGGCAGCCGGGGGAGTAAGGACAAGGTGTCGA[G>C]GCTGACGGAGGCTGAACCTGCCACAGAAGGGCTCCGTCCCACTGGTGAGGTCCCCATCAG-3'
Protein context (NP_619639.3, residues 581-601): PFCGRFSLRQ[Pro591Arg]RHLVLTPPAA